The following is an entry in ClinVar:

NM_014028.4(OSTM1):c.956G>A (p.Arg319His)

Gene: OSTM1 (osteoclastogenesis associated transmembrane protein 1; minus strand). Cytogenetic location: 6q21.
Variant type: single nucleotide variant.
Coding change: c.956G>A on transcript NM_014028.4 (MANE Select); coding-DNA position 956, G replaced by A.
Protein change: p.Arg319His; replaces arginine 319 with histidine.
Molecular consequence: missense variant.
Genome position (GRCh38, 1-based): chr6:108,044,834, C>T on the plus strand (G>A on the coding strand, the complement: OSTM1 is on the minus strand). VCF-style: chr6-108044834-C-T. GRCh37 (hg19) VCF-style: chr6-108366038-C-T.
Other names: short protein forms R319H.
Identifiers: ClinVar variation 2092735 (VCV002092735.1), dbSNP rs779438202, ClinGen allele CA3947917.

ClinVar aggregate classification (germline): Uncertain significance (1 of 4 stars; one submission).

Allele frequency attached by ClinVar (database versions not stated): gnomAD exomes below 0.00001; ExAC 0.00001; gnomAD 0.00001; TOPMed 0.00001.
gnomAD v4.1: 6 of 1,540,556 alleles (0.00039%); highest among the groups gnomAD compares: South Asian, 0.0012%; no homozygotes.

Submission:

Labcorp Genetics (formerly Invitae), Labcorp
Classification: Uncertain significance. Last evaluated: 2022-02-04. Review status: criteria provided, single submitter. Criteria: Invitae Variant Classification Sherloc (09022015). Collection method: clinical testing. Allele origin: germline.
Comment: This sequence change replaces arginine, which is basic and polar, with histidine, which is basic and polar, at codon 319 of the OSTM1 protein (p.Arg319His). The frequency data for this variant in the population databases is considered unreliable, as metrics indicate poor data quality at this position in the gnomAD database. This variant has not been reported in the literature in individuals affected with OSTM1-related conditions. Algorithms developed to predict the effect of missense changes on protein structure and function are either unavailable or do not agree on the potential impact of this missense change (SIFT: "Deleterious"; PolyPhen-2: "Probably Damaging"; Align-GVGD: "Class C0"). In summary, the available evidence is currently insufficient to determine the role of this variant in disease. Therefore, it has been classified as a Variant of Uncertain Significance.